The following is an entry in ClinVar:

NM_021815.5(SLC5A7):c.1703C>G (p.Ser568Cys)

Gene: SLC5A7 (solute carrier family 5 member 7; plus strand). Cytogenetic location: 2q12.3.
Variant type: single nucleotide variant.
Coding change: c.1703C>G on transcript NM_021815.5 (MANE Select); coding-DNA position 1703, C replaced by G.
Protein change: p.Ser568Cys; replaces serine 568 with cysteine.
Molecular consequence: missense variant.
Genome position (GRCh38, 1-based): chr2:108,010,821, C>G. VCF-style: chr2-108010821-C-G. GRCh37 (hg19) VCF-style: chr2-108627277-C-G.
Other names: c.1703C>G, p.Ser568Cys (NM_001305005.3); c.1388C>G, p.Ser463Cys (NM_001305006.3); c.962C>G, p.Ser321Cys (NM_001305007.3); short protein forms S321C, S463C, S568C.
Identifiers: ClinVar variation 2930167 (VCV002930167.3), dbSNP rs868575792, ClinGen allele CA348115167.
Genomic context (GRCh38, chr2:108,010,821, plus strand): 5'-GACAGAGCATGACCCTCAGCTCAACTTTCACCAATAAAGAGGCCTTCCTTGATGTTGATT[C>G]CAGTCCAGAAGGGTCTGGGACTGAAGATAATTTACAGTGACCCCATCTAAATAAAATACT-3'
Protein context (NP_068587.1, residues 558-578): TNKEAFLDVD[Ser568Cys]SPEGSGTEDN

ClinVar aggregate classification (germline): Uncertain significance (1 of 4 stars; one submission).

Conditions:
Neuronopathy, distal hereditary motor, type 7A. Also called: Neuronopathy, distal hereditary motor, type viia; HARPER-YOUNG MYOPATHY; HMN VIIA; NEURONOPATHY, DISTAL HEREDITARY MOTOR, HARDING TYPE VIIA; NEUROPATHY, DISTAL HEREDITARY MOTOR, HARDING TYPE VIIA; Neuronopathy, distal hereditary motor, autosomal dominant 7. Identifiers: Orphanet 139589, MedGen C1834703, MONDO:0008024, OMIM 158580.
Congenital myasthenic syndrome 20. Also called: Myasthenic syndrome, congenital, 20, presynaptic. Identifiers: MedGen C4310694, MONDO:0014939, OMIM 617143.

Allele frequency attached by ClinVar (database versions not stated): gnomAD 0.00002; TOPMed 0.00002.

Submission:

Labcorp Genetics (formerly Invitae), Labcorp
Classification: Uncertain significance for Neuronopathy, distal hereditary motor, type 7A; Congenital myasthenic syndrome 20. Last evaluated: 2023-09-03. Review status: criteria provided, single submitter. Criteria: Invitae Variant Classification Sherloc (09022015). Collection method: clinical testing. Allele origin: germline.
Comment: In summary, the available evidence is currently insufficient to determine the role of this variant in disease. Therefore, it has been classified as a Variant of Uncertain Significance. This variant is present in population databases (no rsID available, gnomAD 0.007%). This variant has not been reported in the literature in individuals affected with SLC5A7-related conditions. An algorithm developed to predict the effect of missense changes on protein structure and function (PolyPhen-2) suggests that this variant is likely to be disruptive. This sequence change replaces serine, which is neutral and polar, with cysteine, which is neutral and slightly polar, at codon 568 of the SLC5A7 protein (p.Ser568Cys).